The following is an entry in ClinVar:

NM_183357.3(ADCY5):c.1655G>A (p.Arg552Gln)

Gene: ADCY5 (adenylate cyclase 5; minus strand). Cytogenetic location: 3q21.1.
Variant type: single nucleotide variant.
Coding change: c.1655G>A on transcript NM_183357.3 (MANE Select); coding-DNA position 1655, G replaced by A.
Protein change: p.Arg552Gln; replaces arginine 552 with glutamine.
Molecular consequence: missense variant.
Genome position (GRCh38, 1-based): chr3:123,328,794, C>T on the plus strand (G>A on the coding strand, the complement: ADCY5 is on the minus strand). VCF-style: chr3-123328794-C-T. GRCh37 (hg19) VCF-style: chr3-123047641-C-T.
Other names: c.605G>A, p.Arg202Gln (NM_001199642.1); c.1655G>A, p.Arg552Gln (NM_001378259.1); short protein forms R202Q, R552Q.
Identifiers: ClinVar variation 1696043 (VCV001696043.1), dbSNP rs2108391289, ClinGen allele CA354219731.

ClinVar aggregate classification (germline): Uncertain significance (1 of 4 stars; one submission).

gnomAD v4.1: 2 of 1,614,156 alleles (0.00012%); highest among the groups gnomAD compares: Non-Finnish European, 0.00017%; no homozygotes.

Submission:

Women's Health and Genetics/Laboratory Corporation of America, LabCorp
Classification: Uncertain significance. Last evaluated: 2022-05-16. Review status: criteria provided, single submitter. Criteria: LabCorp Variant Classification Summary - May 2015. Collection method: clinical testing. Allele origin: germline.
Comment: Variant summary: ADCY5 c.1655G>A (p.Arg552Gln) results in a conservative amino acid change located in the Adenylyl cyclase class-3/4/guanylyl cyclase domain of the encoded protein sequence. Four of five in-silico tools predict a damaging effect of the variant on protein function. The variant was absent in 251164 control chromosomes. The available data on variant occurrences in the general population are insufficient to allow any conclusion about variant significance. To our knowledge, no occurrence of c.1655G>A in individuals affected with &phenotype& and no experimental evidence demonstrating its impact on protein function have been reported. No clinical diagnostic laboratories have submitted clinical-significance assessments for this variant to ClinVar after 2014. Based on the evidence outlined above, the variant was classified as uncertain significance.